The following is an entry in ClinVar:

NM_004329.3(BMPR1A):c.1176T>G (p.Asn392Lys)

Gene: BMPR1A (bone morphogenetic protein receptor type 1A; plus strand). Cytogenetic location: 10q23.2.
Variant type: single nucleotide variant.
Coding change: c.1176T>G on transcript NM_004329.3 (MANE Select); coding-DNA position 1176, T replaced by G.
Protein change: p.Asn392Lys; replaces asparagine 392 with lysine.
Molecular consequence: missense variant. On other transcripts: non-coding transcript variant (3).
Genome position (GRCh38, 1-based): chr10:86,921,529, T>G. VCF-style: chr10-86921529-T-G. GRCh37 (hg19) VCF-style: chr10-88681286-T-G.
Other names: c.1251T>G, p.Asn417Lys (NM_001406559.1); c.1224T>G, p.Asn408Lys (NM_001406560.1); c.1176T>G, p.Asn392Lys (NM_001406561.1, NM_001406562.1, NM_001406563.1 and 19 more transcripts); c.1170T>G, p.Asn390Lys (NM_001406583.1); c.1092T>G, p.Asn364Lys (NM_001406584.1, NM_001406585.1, NM_001406586.1 and 2 more transcripts); c.834T>G, p.Asn278Lys (NM_001406589.1); short protein forms N408K, N364K, N278K, N390K, N392K, N417K.
Identifiers: ClinVar variation 2774813 (VCV002774813.2), dbSNP rs1589292569, ClinGen allele CA377461837.
Genomic context (GRCh38, chr10:86,921,529, plus strand): 5'-ACTATTTTATTTTTGGCCCTCAACTTGGACCTTGGCTTTCTTTTGTTTCAGTGACACAAA[T>G]GAAGTTGATGTGCCCTTGAATACCAGGGTGGGCACCAAACGCTACATGGCTCCCGAAGTG-3'
Protein context (NP_004320.2, residues 382-402): GLAVKFNSDT[Asn392Lys]EVDVPLNTRV

ClinVar aggregate classification (germline): Uncertain significance (1 of 4 stars; one submission).

Conditions:
Hereditary cancer-predisposing syndrome. Also called: Neoplastic Syndromes, Hereditary; Tumor predisposition; Hereditary Cancer Syndrome; Hereditary neoplastic syndrome. Identifiers: Orphanet 140162, MedGen C0027672, MeSH D009386, MONDO:0015356.

Allele frequency attached by ClinVar (database versions not stated): TOPMed 0.00001.

Submission:

Color Diagnostics, LLC DBA Color Health
Classification: Uncertain significance for Hereditary cancer-predisposing syndrome. Last evaluated: 2024-03-07. Review status: criteria provided, single submitter. Criteria: ACMG Guidelines, 2015. Collection method: clinical testing. Allele origin: germline.
Comment: This missense variant replaces asparagine with lysine at codon 392 of the BMPR1A protein. Computational prediction suggests that this variant may not impact protein structure and function (internally defined REVEL score threshold <= 0.5, PMID: 27666373). To our knowledge, functional studies have not been reported for this variant. This variant has not been reported in individuals affected with hereditary cancer in the literature. This variant has not been identified in the general population by the Genome Aggregation Database (gnomAD). The available evidence is insufficient to determine the role of this variant in disease conclusively. Therefore, this variant is classified as a Variant of Uncertain Significance.